The following is an entry in ClinVar:

NM_007294.4(BRCA1):c.1324T>C (p.Cys442Arg)

Gene: BRCA1 (BRCA1 DNA repair associated; minus strand). Cytogenetic location: 17q21.31.
Variant type: single nucleotide variant.
Coding change: c.1324T>C on transcript NM_007294.4 (MANE Select); coding-DNA position 1324, T replaced by C.
Protein change: p.Cys442Arg; replaces cysteine 442 with arginine.
Molecular consequence: missense variant. On other transcripts: intron variant (137).
Genome position (GRCh38, 1-based): chr17:43,094,207, A>G on the plus strand (T>C on the coding strand, the complement: BRCA1 is on the minus strand). VCF-style: chr17-43094207-A-G. GRCh37 (hg19) VCF-style: chr17-41246224-A-G.
Other names: c.1111T>C, p.Cys371Arg (NM_001407571.1, NM_001407853.1, NM_001407894.1 and 9 more transcripts); c.1324T>C, p.Cys442Arg (NM_001407581.1, NM_001407582.1, NM_001407583.1 and 30 more transcripts); c.1321T>C, p.Cys441Arg (NM_001407587.1, NM_001407590.1, NM_001407591.1 and 22 more transcripts); c.1315T>C, p.Cys439Arg (NM_001407646.1, NM_001407647.1); c.1201T>C, p.Cys401Arg (NM_001407648.1, NM_001407664.1, NM_001407665.1 and 19 more transcripts); c.1198T>C, p.Cys400Arg (NM_001407649.1, NM_001407670.1, NM_001407671.1 and 11 more transcripts); c.1246T>C, p.Cys416Arg (NM_001407653.1, NM_001407654.1, NM_001407655.1 and 4 more transcripts); c.1243T>C, p.Cys415Arg (NM_001407659.1, NM_001407660.1, NM_001407661.1 and 1 more transcripts); and 40 more; short protein forms C442R, C395R, C314R, C330R, C372R, C401R, C416R, C315R.
Identifiers: ClinVar variation 233923 (VCV000233923.20), dbSNP rs876660734, ClinGen allele CA10580670.

ClinVar aggregate classification (germline): Conflicting classifications of pathogenicity. Review status: criteria provided, conflicting classifications (1 of 4 stars). 4 submissions from 4 submitters: Uncertain significance (3); Likely benign (1). Last evaluated 2025-07-27.

Conditions:
Hereditary breast ovarian cancer syndrome. Also called: Hereditary breast and ovarian cancer syndrome; BRCA1- and BRCA2-Associated Hereditary Breast and Ovarian Cancer; Breast and ovarian cancer; Hereditary breast and/or ovarian cancer syndrome; Hereditary breast and ovarian cancer; Hereditary breast and ovarian cancer syndrome (HBOC). Identifiers: Orphanet 145, MedGen C0677776, MeSH D061325, MONDO:0003582. Disease mechanism: loss of function.
Hereditary cancer-predisposing syndrome. Also called: Neoplastic Syndromes, Hereditary; Tumor predisposition; Hereditary Cancer Syndrome; Hereditary neoplastic syndrome. Identifiers: Orphanet 140162, MedGen C0027672, MeSH D009386, MONDO:0015356.

Submissions (4):

Labcorp Genetics (formerly Invitae), Labcorp
Classification: Uncertain significance for Hereditary breast ovarian cancer syndrome. Last evaluated: 2025-07-27. Review status: criteria provided, single submitter. Criteria: Invitae Variant Classification Sherloc (09022015). Collection method: clinical testing. Allele origin: germline.
Comment: This sequence change replaces cysteine, which is neutral and slightly polar, with arginine, which is basic and polar, at codon 442 of the BRCA1 protein (p.Cys442Arg). This variant is not present in population databases (gnomAD no frequency). This variant has not been reported in the literature in individuals affected with BRCA1-related conditions. ClinVar contains an entry for this variant (Variation ID: 233923). Invitae Evidence Modeling of protein sequence and biophysical properties (such as structural, functional, and spatial information, amino acid conservation, physicochemical variation, residue mobility, and thermodynamic stability) indicates that this missense variant is not expected to disrupt BRCA1 protein function with a negative predictive value of 80%. In summary, the available evidence is currently insufficient to determine the role of this variant in disease. Therefore, it has been classified as a Variant of Uncertain Significance.

Ambry Genetics
Classification: Uncertain significance for Hereditary cancer-predisposing syndrome. Last evaluated: 2024-05-13. Review status: criteria provided, single submitter. Criteria: Ambry Variant Classification Scheme 2023. Collection method: clinical testing. Allele origin: germline.
Comment: The p.C442R variant (also known as c.1324T>C), located in coding exon 9 of the BRCA1 gene, results from a T to C substitution at nucleotide position 1324. The cysteine at codon 442 is replaced by arginine, an amino acid with highly dissimilar properties. This amino acid position is not well conserved in available vertebrate species. In addition, the in silico prediction for this alteration is inconclusive. Based on the available evidence, the clinical significance of this variant remains unclear.

University of Washington Department of Laboratory Medicine, University of Washington
Classification: Likely benign for Hereditary cancer-predisposing syndrome. Last evaluated: 2023-03-23. Review status: criteria provided, single submitter. Criteria: Dines et al. (Genet Med. 2020). Collection method: curation. Allele origin: germline.
Comment: Missense variant in a coldspot region where missense variants are very unlikely to be pathogenic (PMID:31911673).

BRCA1 coldspot (exon 11 using historical exon numbering). Reclassification based on statistical prior probability

Color Diagnostics, LLC DBA Color Health
Classification: Uncertain significance for Hereditary cancer-predisposing syndrome. Last evaluated: 2019-06-15. Review status: criteria provided, single submitter. Criteria: ACMG Guidelines, 2015. Collection method: clinical testing. Allele origin: germline.